The following is an entry in ClinVar:

ClinVar aggregate classification (germline): Pathogenic (1 of 4 stars; one submission).

Conditions:
Renal tubulopathies.

Submission:

Genetics Laboratory, Great Ormond Street Hospital NHS Foundation Trust, North Thames Genomic Laboratory Hub
Classification: Pathogenic for Renal tubulopathies. Last evaluated: 2026-02-19. Review status: criteria provided, single submitter. Criteria: ACGS Best Practice Guidelines for Variant Classification in Rare Disease 2024 v1.2. Collection method: clinical testing. Allele origin: germline. Affected: yes.
Comment: PM2_moderate, PVS1_very-strong

NM_000901.5(NR3C2):c.358G>T (p.Glu120Ter)

Gene: NR3C2 (nuclear receptor subfamily 3 group C member 2; minus strand). Cytogenetic location: 4q31.23.
Variant type: single nucleotide variant.
Coding change: c.358G>T on transcript NM_000901.5 (MANE Select); coding-DNA position 358, G replaced by T.
Protein change: p.Glu120Ter; replaces glutamic acid 120 with a stop codon.
Molecular consequence: nonsense. On other transcripts: non-coding transcript variant (1).
Genome position (GRCh38, 1-based): chr4:148,436,503, C>A on the plus strand (G>T on the coding strand, the complement: NR3C2 is on the minus strand). VCF-style: chr4-148436503-C-A. GRCh37 (hg19) VCF-style: chr4-149357655-C-A.
Other names: c.358G>T, p.Glu120Ter (NM_001166104.2, NM_001354819.1, NM_001437654.1 and 4 more transcripts); short protein forms E120*.
Identifiers: ClinVar variation 4820298 (VCV004820298.1).
Genomic context (GRCh38, chr4:148,436,503, plus strand): 5'-GCTGTTCAACATTCTGATAAATCTTAGCTGGACTCATGCTTCCTTGTTGGTTCTGCTGCT[C>A]ATAGGAATAGTCAGCATCTCTTACAGAATCCATATATAAACCCATGGACTCAGCTACAGT-3'